The following is an entry in ClinVar:

NM_000436.4(OXCT1):c.279-7C>T

Gene: OXCT1 (3-oxoacid CoA-transferase 1; minus strand). Cytogenetic location: 5p13.1.
Variant type: single nucleotide variant.
Coding change: c.279-7C>T on transcript NM_000436.4 (MANE Select); 7 bases into the intron before coding-DNA position 279, C replaced by T.
Molecular consequence: intron variant.
Genome position (GRCh38, 1-based): chr5:41,853,561, G>A on the plus strand (C>T on the coding strand, the complement: OXCT1 is on the minus strand). VCF-style: chr5-41853561-G-A. GRCh37 (hg19) VCF-style: chr5-41853663-G-A.
Other names: c.279-7C>T (NM_001364301.2, NM_001364302.2, NM_001364299.2); c.300-7C>T (NM_001364300.2).
Identifiers: ClinVar variation 785746 (VCV000785746.18), dbSNP rs200695197, ClinGen allele CA3253635.
Genomic context (GRCh38, chr5:41,853,561, plus strand): 5'-ATGCGTTTTATCTGCTTGGACCGAAGCAAAAGCCCCAAACCAAAATTGTCAACCCTAGAA[G>A]GAAAATGAAGGGAGCTTACCAAAGAGCATCTGACAGAACACTATTACATCTTTTTAAAGA-3'

ClinVar aggregate classification (germline): Benign/Likely benign. Review status: criteria provided, multiple submitters, no conflicts (2 of 4 stars). 5 submissions from 5 submitters: Benign (4); Likely benign (1). Last evaluated 2026-01-27.

Conditions:
Succinyl-CoA acetoacetate transferase deficiency (SCOTD). Also called: KETOACIDOSIS DUE TO SCOT DEFICIENCY; Succinyl CoA:3-oxoacid CoA transferase deficiency; 3-Oxoacid CoA Transferase Deficiency; SCOT DEFICIENCY; SUCCINYL-CoA:3-KETOACID CoA-TRANSFERASE DEFICIENCY. Identifiers: Orphanet 832, MedGen C0342792, MONDO:0009492, OMIM 245050.

Allele frequency attached by ClinVar (database versions not stated): gnomAD exomes 0.00042 and 0.00097; ExAC 0.00123; 1000 Genomes Project 0.00379; gnomAD 0.00402 and 0.00436; ESP Exome Variant Server 0.00415; 1000 Genomes Project 30x 0.00422; TOPMed 0.00449.
gnomAD v4.1: 1,254 of 1,613,336 alleles (0.078%); highest among the groups gnomAD compares: African/African-American, 1.5%; 5 homozygotes.

Submissions (5):

Labcorp Genetics (formerly Invitae), Labcorp
Classification: Benign for Succinyl-CoA acetoacetate transferase deficiency. Last evaluated: 2026-01-27. Review status: criteria provided, single submitter. Criteria: Invitae Variant Classification Sherloc (09022015). Collection method: clinical testing. Allele origin: germline.

Blueprint Genetics
Classification: Likely benign. Last evaluated: 2024-11-25. Review status: criteria provided, single submitter. Criteria: ACMG Guidelines, 2015. Collection method: clinical testing. Allele origin: germline.

ARUP Laboratories, Molecular Genetics and Genomics, ARUP Laboratories
Classification: Benign for Succinyl-CoA acetoacetate transferase deficiency. Last evaluated: 2024-11-05. Review status: criteria provided, single submitter. Criteria: ARUP Molecular Germline Variant Investigation Process 2024. Collection method: clinical testing. Allele origin: germline.

Illumina Laboratory Services, Illumina
Classification: Benign for Succinyl-CoA acetoacetate transferase deficiency. Last evaluated: 2018-01-13. Review status: criteria provided, single submitter. Criteria: ICSL Variant Classification Criteria 13 December 2019. Collection method: clinical testing. Allele origin: germline.
Comment: This variant was observed in the ICSL laboratory as part of a predisposition screen in an ostensibly healthy population. It had not been previously curated by ICSL or reported in the Human Gene Mutation Database (HGMD: prior to June 1st, 2018), and was therefore a candidate for classification through an automated scoring system. Utilizing variant allele frequency, disease prevalence and penetrance estimates, and inheritance mode, an automated score was calculated to assess if this variant is too frequent to cause the disease. Based on the score and internal cut-off values, a variant classified as benign is not then subjected to further curation. The score for this variant resulted in a classification of benign for this disease.

Breakthrough Genomics
Classification: Benign. Review status: criteria provided, single submitter. Criteria: ACMG Guidelines, 2015. Collection method: not provided. Allele origin: germline. Inheritance: Autosomal recessive inheritance. Affected: yes.